The following is an entry in ClinVar:

ClinVar aggregate classification (germline): Uncertain significance (1 of 4 stars; one submission).

Conditions:
Myopathy, proximal, and ophthalmoplegia (CMYO6). Also called: INCLUSION BODY MYOPATHY 3, AUTOSOMAL DOMINANT; MYOPATHY WITH CONGENITAL JOINT CONTRACTURES, OPHTHALMOPLEGIA, AND RIMMED VACUOLES; CONGENITAL MYOPATHY 6 WITH OPHTHALMOPLEGIA. Identifiers: Orphanet 363677, Orphanet 79091, MedGen C1854106, MONDO:0011577, OMIM 605637.

Submission:

Labcorp Genetics (formerly Invitae), Labcorp
Classification: Uncertain significance for Myopathy, proximal, and ophthalmoplegia. Last evaluated: 2020-03-19. Review status: criteria provided, single submitter. Criteria: Invitae Variant Classification Sherloc (09022015). Collection method: clinical testing. Allele origin: germline.
Comment: This sequence change replaces isoleucine with threonine at codon 1564 of the MYH2 protein (p.Ile1564Thr). The isoleucine residue is highly conserved and there is a moderate physicochemical difference between isoleucine and threonine. This variant is not present in population databases (ExAC no frequency). This variant has not been reported in the literature in individuals with MYH2-related conditions. Algorithms developed to predict the effect of missense changes on protein structure and function (SIFT, PolyPhen-2, Align-GVGD) all suggest that this variant is likely to be disruptive, but these predictions have not been confirmed by published functional studies and their clinical significance is uncertain. In summary, the available evidence is currently insufficient to determine the role of this variant in disease. Therefore, it has been classified as a Variant of Uncertain Significance.

NM_017534.6(MYH2):c.4691T>C (p.Ile1564Thr)

Genes: MYH2 (myosin heavy chain 2; minus strand), MYHAS (myosin heavy chain gene cluster antisense RNA; plus strand), LOC126862500 (BRD4-independent group 4 enhancer GRCh37_chr17:10427829-10429028; plus strand). Cytogenetic location: 17p13.1.
Variant type: single nucleotide variant.
Coding change: c.4691T>C on transcript NM_017534.6 (MANE Select); coding-DNA position 4691, T replaced by C.
Protein change: p.Ile1564Thr; replaces isoleucine 1564 with threonine.
Molecular consequence: missense variant.
Genome position (GRCh38, 1-based): chr17:10,525,037, A>G on the plus strand (T>C on the coding strand, the complement: MYH2 is on the minus strand). VCF-style: chr17-10525037-A-G. GRCh37 (hg19) VCF-style: chr17-10428354-A-G.
Other names: c.4691T>C, p.Ile1564Thr (NM_001100112.2); short protein forms I1564T.
Identifiers: ClinVar variation 860206 (VCV000860206.7), dbSNP rs2073333613, ClinGen allele CA398124080.